The following is an entry in ClinVar:

ClinVar aggregate classification (germline): Uncertain significance. Review status: criteria provided, multiple submitters, no conflicts (2 of 4 stars). 2 submissions from 2 submitters: Uncertain significance (2). Last evaluated 2025-07-06.

Conditions:
Hereditary cancer-predisposing syndrome. Also called: Tumor predisposition; Neoplastic Syndromes, Hereditary; Hereditary Cancer Syndrome; Hereditary neoplastic syndrome. Identifiers: Orphanet 140162, MedGen C0027672, MeSH D009386, MONDO:0015356.
Oligodontia-cancer predisposition syndrome. Also called: TOOTH AGENESIS-COLORECTAL CANCER SYNDROME. Identifiers: Orphanet 300576, MedGen C1837750, MONDO:0012075, OMIM 608615. Disease mechanism: loss of function.

Submissions (2):

Labcorp Genetics (formerly Invitae), Labcorp
Classification: Uncertain significance for Oligodontia-cancer predisposition syndrome. Last evaluated: 2025-07-06. Review status: criteria provided, single submitter. Criteria: Invitae Variant Classification Sherloc (09022015). Collection method: clinical testing. Allele origin: germline.
Comment: This sequence change falls in intron 2 of the AXIN2 gene. It does not directly change the encoded amino acid sequence of the AXIN2 protein. It affects a nucleotide within the consensus splice site. This variant is not present in population databases (gnomAD no frequency). This variant has not been reported in the literature in individuals affected with AXIN2-related conditions. ClinVar contains an entry for this variant (Variation ID: 1384512). Variants that disrupt the consensus splice site are a relatively common cause of aberrant splicing (PMID: 17576681, 9536098). Algorithms developed to predict the effect of sequence changes on RNA splicing suggest that this variant is not likely to affect RNA splicing. In summary, the available evidence is currently insufficient to determine the role of this variant in disease. Therefore, it has been classified as a Variant of Uncertain Significance.

Ambry Genetics
Classification: Uncertain significance for Hereditary cancer-predisposing syndrome. Last evaluated: 2025-06-16. Review status: criteria provided, single submitter. Criteria: Ambry Variant Classification Scheme 2023. Collection method: clinical testing. Allele origin: germline.
Comment: The c.815+3A>C intronic variant results from an A to C substitution 3 nucleotides after coding exon 1 in the AXIN2 gene. This nucleotide position is not well conserved in available vertebrate species. In silico splice site analysis predicts that this alteration will not have any significant effect on splicing; however, direct evidence is insufficient at this time (Ambry internal data). Since supporting evidence is limited at this time, the clinical significance of this alteration remains unclear.

Literature cited by the submitters: PubMed 17576681 (cited by Labcorp Genetics (formerly Invitae), Labcorp); PubMed 9536098 (cited by Labcorp Genetics (formerly Invitae), Labcorp).

NM_004655.4(AXIN2):c.815+3A>C

Gene: AXIN2 (axin 2; minus strand). Cytogenetic location: 17q24.1.
Variant type: single nucleotide variant.
Coding change: c.815+3A>C on transcript NM_004655.4 (MANE Select); 3 bases into the intron after coding-DNA position 815, A replaced by C.
Molecular consequence: intron variant.
Genome position (GRCh38, 1-based): chr17:65,557,803, T>G on the plus strand (A>C on the coding strand, the complement: AXIN2 is on the minus strand). VCF-style: chr17-65557803-T-G. GRCh37 (hg19) VCF-style: chr17-63553921-T-G.
Other names: c.815+3A>C (NM_001363813.1).
Identifiers: ClinVar variation 1384512 (VCV001384512.9), dbSNP rs911232954, ClinGen allele CA2270894121.